The following is an entry in ClinVar:

ClinVar aggregate classification (germline): Likely benign. Review status: criteria provided, multiple submitters, no conflicts (2 of 4 stars). 2 submissions from 2 submitters: Likely benign (2). Last evaluated 2026-01-06.

Conditions:
ANGPTL3-related disorder. Also called: ANGPTL3-related condition.

Allele frequency attached by ClinVar (database versions not stated): ESP Exome Variant Server 0.00015; 1000 Genomes Project 0.00300; 1000 Genomes Project 30x 0.00312.
gnomAD v4.1: 541 of 1,613,460 alleles (0.034%); highest among the groups gnomAD compares: South Asian, 0.42%; 5 homozygotes.

Submissions (2):

Labcorp Genetics (formerly Invitae), Labcorp
Classification: Likely benign. Last evaluated: 2026-01-06. Review status: criteria provided, single submitter. Criteria: Invitae Variant Classification Sherloc (09022015). Collection method: clinical testing. Allele origin: germline.

PreventionGenetics, part of Exact Sciences
Classification: Likely benign for ANGPTL3-related condition. Last evaluated: 2025-09-23. Review status: criteria provided, single submitter. Criteria: ACMG Guidelines, 2015. Collection method: clinical testing. Allele origin: germline.
Comment: This variant is classified as likely benign based on ACMG/AMP sequence variant interpretation guidelines (Richards et al. 2015 PMID: 25741868, with internal and published modifications).

NM_014495.4(ANGPTL3):c.1112A>G (p.Asn371Ser)

Genes: ANGPTL3 (angiopoietin like 3; plus strand), DOCK7 (dedicator of cytokinesis 7; minus strand). Cytogenetic location: 1p31.3.
Variant type: single nucleotide variant.
Coding change: c.1112A>G on transcript NM_014495.4 (MANE Select); coding-DNA position 1112, A replaced by G.
Protein change: p.Asn371Ser; replaces asparagine 371 with serine.
Molecular consequence: missense variant. On other transcripts: intron variant (7).
Genome position (GRCh38, 1-based): chr1:62,604,149, A>G. VCF-style: chr1-62604149-A-G. GRCh37 (hg19) VCF-style: chr1-63069820-A-G.
Other names: c.1682+14557T>C (NM_001272001.2, NM_001272000.2, NM_033407.4 and 4 more transcripts); c.1112A>G (NM_014495.3); short protein forms N371S.
Identifiers: ClinVar variation 1573268 (VCV001573268.9), dbSNP rs151187179, ClinGen allele CA886797.
Genomic context (GRCh38, chr1:62,604,149, plus strand): 5'-TGGGAAATCACGAAACCAACTATACGCTACATCTAGTTGCGATTACTGGCAATGTCCCCA[A>G]TGCAATCCCGGAAAACAAAGATTTGGTGTTTTCTACTTGGGATCACAAAGCAAAAGGACA-3'
Protein context (NP_055310.1, residues 361-381): HLVAITGNVP[Asn371Ser]AIPENKDLVF